The following is an entry in ClinVar:

ClinVar aggregate classification (germline): Likely benign. Review status: criteria provided, multiple submitters, no conflicts (2 of 4 stars). 2 submissions from 2 submitters: Likely benign (2). Last evaluated 2025-08-03.

Conditions:
Familial cancer of breast. Also called: Hereditary breast cancer; hereditary breast carcinoma; BREAST CANCER, FAMILIAL. Identifiers: Orphanet 227535, MedGen C0346153, MONDO:0016419, OMIM 114480. Disease mechanism: loss of function.
Fanconi anemia complementation group J. Also called: BRIP1-Related Fanconi Anemia. Identifiers: Orphanet 84, MedGen C1836860, MONDO:0012187, OMIM 609054.

Allele frequency attached by ClinVar (database versions not stated): ExAC 0.00001.

Submissions (2):

Labcorp Genetics (formerly Invitae), Labcorp
Classification: Likely benign for Familial cancer of breast; Fanconi anemia complementation group J. Last evaluated: 2025-08-03. Review status: criteria provided, single submitter. Criteria: Invitae Variant Classification Sherloc (09022015). Collection method: clinical testing. Allele origin: germline.

Myriad Genetics, Inc.
Classification: Likely benign for Familial cancer of breast. Last evaluated: 2024-08-29. Review status: criteria provided, single submitter. Criteria: Myriad Autosomal Dominant, Autosomal Recessive and X-Linked Classification Criteria (2023). Collection method: clinical testing. Allele origin: unknown.
Comment: This variant is considered likely benign. This variant is intronic and is not expected to impact mRNA splicing.

NM_032043.3(BRIP1):c.1795-19T>C

Gene: BRIP1 (BRCA1 interacting DNA helicase 1; minus strand). Cytogenetic location: 17q23.2.
Variant type: single nucleotide variant.
Coding change: c.1795-19T>C on transcript NM_032043.3 (MANE Select); 19 bases into the intron before coding-DNA position 1795, T replaced by C.
Molecular consequence: intron variant.
Genome position (GRCh38, 1-based): chr17:61,780,420, A>G on the plus strand (T>C on the coding strand, the complement: BRIP1 is on the minus strand). VCF-style: chr17-61780420-A-G. GRCh37 (hg19) VCF-style: chr17-59857781-A-G.
Identifiers: ClinVar variation 2036412 (VCV002036412.5), dbSNP rs765634332, ClinGen allele CA8690651.